The following is an entry in ClinVar:

NM_006267.5(RANBP2):c.4435A>G (p.Lys1479Glu)

Gene: RANBP2 (RAN binding protein 2; plus strand). Cytogenetic location: 2q13.
Variant type: single nucleotide variant.
Coding change: c.4435A>G on transcript NM_006267.5 (MANE Select); coding-DNA position 4435, A replaced by G.
Protein change: p.Lys1479Glu; replaces lysine 1479 with glutamic acid.
Molecular consequence: missense variant.
Genome position (GRCh38, 1-based): chr2:108,764,974, A>G. VCF-style: chr2-108764974-A-G. GRCh37 (hg19) VCF-style: chr2-109381430-A-G.
Other names: short protein forms K1479E.
Identifiers: ClinVar variation 1054783 (VCV001054783.10), dbSNP rs377513911, ClinGen allele CA53453921.

ClinVar aggregate classification (germline): Uncertain significance (1 of 4 stars; one submission).

Conditions:
Familial acute necrotizing encephalopathy (IIAE3). Also called: ENCEPHALOPATHY, ACUTE, INFECTION-INDUCED, SUSCEPTIBILITY TO, 3; Susceptibility to Acute Necrotizing Encephalopathy 1. Identifiers: Orphanet 88619, MedGen C2675556, MONDO:0011953, OMIM 608033.

Allele frequency attached by ClinVar (database versions not stated): gnomAD exomes below 0.00001 and 0.00001; TOPMed 0.00001; ESP Exome Variant Server 0.00008.
gnomAD v4.1: 11 of 1,614,046 alleles (0.00068%); highest among the groups gnomAD compares: Admixed American, 0.0017%; no homozygotes.

Submission:

Labcorp Genetics (formerly Invitae), Labcorp
Classification: Uncertain significance for Familial acute necrotizing encephalopathy. Last evaluated: 2020-10-21. Review status: criteria provided, single submitter. Criteria: Invitae Variant Classification Sherloc (09022015). Collection method: clinical testing. Allele origin: germline.
Comment: This sequence change replaces lysine with glutamic acid at codon 1479 of the RANBP2 protein (p.Lys1479Glu). The lysine residue is highly conserved and there is a small physicochemical difference between lysine and glutamic acid. Algorithms developed to predict the effect of missense changes on protein structure and function (SIFT, PolyPhen-2, Align-GVGD) all suggest that this variant is likely to be disruptive, but these predictions have not been confirmed by published functional studies and their clinical significance is uncertain. This variant is not present in population databases (ExAC no frequency). This variant has not been reported in the literature in individuals with RANBP2-related conditions. Algorithms developed to predict the effect of sequence changes on RNA splicing suggest that this variant may create or strengthen a splice site, but this prediction has not been confirmed by published transcriptional studies. In summary, the available evidence is currently insufficient to determine the role of this variant in disease. Therefore, it has been classified as a Variant of Uncertain Significance.